The following is an entry in ClinVar:

ClinVar aggregate classification (germline): Uncertain significance. Review status: criteria provided, multiple submitters, no conflicts (2 of 4 stars). 2 submissions from 2 submitters: Uncertain significance (2). Last evaluated 2025-09-04.

Allele frequency attached by ClinVar (database versions not stated): gnomAD 0.00001; gnomAD exomes 0.00001; TOPMed 0.00001.
gnomAD v4.1: 13 of 1,614,072 alleles (0.00081%); highest among the groups gnomAD compares: East Asian, 0.0022%; no homozygotes.

Submissions (2):

Mayo Clinic Laboratories, Mayo Clinic
Classification: Uncertain significance. Last evaluated: 2025-09-04. Review status: criteria provided, single submitter. Criteria: ACMG Guidelines, 2015. Collection method: clinical testing. Allele origin: germline. Observed: 1 variant allele.
Comment: PM2_supporting

GeneDx
Classification: Uncertain significance. Last evaluated: 2023-05-08. Review status: criteria provided, single submitter. Criteria: GeneDx Variant Classification Process June 2021. Collection method: clinical testing. Allele origin: germline. Affected: yes.
Comment: In silico analysis supports that this missense variant has a deleterious effect on protein structure/function; Has not been previously published as pathogenic or benign to our knowledge

NM_001761.3(CCNF):c.761G>C (p.Gly254Ala)

Gene: CCNF (cyclin F; plus strand). Cytogenetic location: 16p13.3.
Variant type: single nucleotide variant.
Coding change: c.761G>C on transcript NM_001761.3 (MANE Select); coding-DNA position 761, G replaced by C.
Protein change: p.Gly254Ala; replaces glycine 254 with alanine.
Molecular consequence: missense variant. On other transcripts: 5 prime UTR variant (1).
Genome position (GRCh38, 1-based): chr16:2,439,810, G>C. VCF-style: chr16-2439810-G-C. GRCh37 (hg19) VCF-style: chr16-2489811-G-C.
Other names: p.Gly254Ala; c.-164G>C (NM_001323538.2); short protein forms G254A.
Identifiers: ClinVar variation 2663336 (VCV002663336.2), dbSNP rs1337109084, ClinGen allele CA394346174.